The following is an entry in ClinVar:

ClinVar aggregate classification (germline): Pathogenic/Likely pathogenic. Review status: criteria provided, multiple submitters, no conflicts (2 of 4 stars). 2 submissions from 2 submitters: Pathogenic (1); Likely pathogenic (1). Last evaluated 2023-01-23.

Conditions:
LARP7-related disorder. Also called: LARP7-related condition.

gnomAD v4.1: 4 of 1,613,332 alleles (0.00025%); highest among the groups gnomAD compares: Non-Finnish European, 0.00025%; no homozygotes.

Submissions (2):

PreventionGenetics, part of Exact Sciences
Classification: Pathogenic for LARP7-related condition. Last evaluated: 2023-01-23. Review status: criteria provided, single submitter. Criteria: ACMG Guidelines, 2015. Collection method: clinical testing. Allele origin: germline.
Comment: The LARP7 c.946C>T variant is predicted to result in premature protein termination (p.Arg316*). This variant has been reported in the homozygous state in one patient with Alazami syndrome. This variant is also known as c.925C>T, p.Arg309* in the literature (Patient 1 in Kazemi et al. 2020. PubMed ID: 33356342). This variant has not been reported in a large population database, indicating this variant is rare. Nonsense variants in LARP7 are expected to be pathogenic. This variant is interpreted as pathogenic.

Blueprint Genetics
Classification: Likely pathogenic for LARP7-related disorders. Last evaluated: 2019-05-23. Review status: criteria provided, single submitter. Criteria: ACMG Guidelines, 2015. Collection method: clinical testing. Allele origin: germline. Affected: yes. Observed: 1 variant allele.

NM_016648.4(LARP7):c.925C>T (p.Arg309Ter)

Genes: LARP7 (La ribonucleoprotein 7, transcriptional regulator; plus strand), MIR302CHG (miR-302/367 cluster host gene; minus strand). Cytogenetic location: 4q25.
Variant type: single nucleotide variant.
Coding change: c.925C>T on transcript NM_016648.4 (MANE Select); coding-DNA position 925, C replaced by T.
Protein change: p.Arg309Ter; replaces arginine 309 with a stop codon.
Molecular consequence: nonsense.
Genome position (GRCh38, 1-based): chr4:112,647,477, C>T. VCF-style: chr4-112647477-C-T. GRCh37 (hg19) VCF-style: chr4-113568633-C-T.
Other names: c.925C>T, p.Arg309Ter (NM_001267039.4, NM_001370974.1, NM_001370975.1 and 2 more transcripts); c.922C>T, p.Arg308Ter (NM_001370976.1, NM_001370977.1, NM_001370979.1 and 1 more transcripts); c.688C>T, p.Arg230Ter (NM_001370981.1, NM_001370982.1); short protein forms R230*, R308*, R309*.
Identifiers: ClinVar variation 2629784 (VCV002629784.2), dbSNP rs866288154, ClinGen allele CA103806580.